The following is an entry in ClinVar:

ClinVar aggregate classification (germline): Uncertain significance. Review status: criteria provided, multiple submitters, no conflicts (2 of 4 stars). 2 submissions from 2 submitters: Uncertain significance (2). Last evaluated 2024-03-06.

Conditions:
Juvenile polyposis syndrome (JPS). Identifiers: Orphanet 2929, MedGen C0345893, MONDO:0017380, OMIM 174900.
Polyposis syndrome, hereditary mixed, 2. Identifiers: Orphanet 157794, MedGen C1864730, MONDO:0012405, OMIM 610069.

Submissions (2):

Baylor Genetics
Classification: Uncertain significance for Polyposis syndrome, hereditary mixed, 2. Last evaluated: 2024-03-06. Review status: criteria provided, single submitter. Criteria: ACMG Guidelines, 2015. Collection method: clinical testing. Allele origin: unknown.

Labcorp Genetics (formerly Invitae), Labcorp
Classification: Uncertain significance for Juvenile polyposis syndrome. Last evaluated: 2023-12-10. Review status: criteria provided, single submitter. Criteria: Invitae Variant Classification Sherloc (09022015). Collection method: clinical testing. Allele origin: germline.
Comment: This sequence change replaces arginine, which is basic and polar, with proline, which is neutral and non-polar, at codon 120 of the BMPR1A protein (p.Arg120Pro). This variant is not present in population databases (gnomAD no frequency). This missense change has been observed in individual(s) with juvenile polyps (PMID: 23399955). ClinVar contains an entry for this variant (Variation ID: 2136905). Advanced modeling of protein sequence and biophysical properties (such as structural, functional, and spatial information, amino acid conservation, physicochemical variation, residue mobility, and thermodynamic stability) has been performed at Invitae for this missense variant, however the output from this modeling did not meet the statistical confidence thresholds required to predict the impact of this variant on BMPR1A protein function. In summary, the available evidence is currently insufficient to determine the role of this variant in disease. Therefore, it has been classified as a Variant of Uncertain Significance.

Literature cited by the submitters: PubMed 23399955 (cited by Labcorp Genetics (formerly Invitae), Labcorp).

NM_004329.3(BMPR1A):c.359G>C (p.Arg120Pro)

Gene: BMPR1A (bone morphogenetic protein receptor type 1A; plus strand). Cytogenetic location: 10q23.2.
Variant type: single nucleotide variant.
Coding change: c.359G>C on transcript NM_004329.3 (MANE Select); coding-DNA position 359, G replaced by C.
Protein change: p.Arg120Pro; replaces arginine 120 with proline.
Molecular consequence: missense variant.
Genome position (GRCh38, 1-based): chr10:86,899,819, G>C. VCF-style: chr10-86899819-G-C. GRCh37 (hg19) VCF-style: chr10-88659576-G-C.
Other names: c.359G>C, p.Arg120Pro (NM_001406560.1, NM_001406561.1, NM_001406562.1 and 22 more transcripts); c.275G>C, p.Arg92Pro (NM_001406584.1, NM_001406585.1, NM_001406586.1 and 2 more transcripts); short protein forms R120P, R92P.
Identifiers: ClinVar variation 2136905 (VCV002136905.5), dbSNP rs1060503401, ClinGen allele CA377449381.